The following is an entry in ClinVar:

NM_001142416.2(AIMP1):c.769C>G (p.Pro257Ala)

Gene: AIMP1 (aminoacyl tRNA synthetase complex interacting multifunctional protein 1; plus strand). Cytogenetic location: 4q24.
Variant type: single nucleotide variant.
Coding change: c.769C>G on transcript NM_001142416.2 (MANE Select); coding-DNA position 769, C replaced by G.
Protein change: p.Pro257Ala; replaces proline 257 with alanine.
Molecular consequence: missense variant.
Genome position (GRCh38, 1-based): chr4:106,337,034, C>G. VCF-style: chr4-106337034-C-G. GRCh37 (hg19) VCF-style: chr4-107258191-C-G.
Other names: c.769C>G, p.Pro257Ala (NM_001142415.2, NM_004757.4); short protein forms P257A.
Identifiers: ClinVar variation 1201226 (VCV001201226.3), dbSNP rs2125926226, ClinGen allele CA357974619.

ClinVar aggregate classification (germline): Uncertain significance (1 of 4 stars; one submission).

gnomAD v4.1: 1 of 1,613,486 alleles (0.000062%); highest among the groups gnomAD compares: Non-Finnish European, 0.000085%; no homozygotes.

Submission:

GeneDx
Classification: Uncertain significance. Last evaluated: 2020-07-01. Review status: criteria provided, single submitter. Criteria: GeneDx Variant Classification Process June 2021. Collection method: clinical testing. Allele origin: germline. Affected: yes.
Comment: Not observed in large population cohorts (Lek et al., 2016); In silico analysis, which includes protein predictors and evolutionary conservation, supports a deleterious effect; Has not been previously published as pathogenic or benign to our knowledge